The following is an entry in ClinVar:

NM_000218.3(KCNQ1):c.40C>T (p.Arg14Cys)

Gene: KCNQ1 (potassium voltage-gated channel subfamily Q member 1; plus strand). Cytogenetic location: 11p15.5.
Variant type: single nucleotide variant.
Coding change: c.40C>T on transcript NM_000218.3 (MANE Select); coding-DNA position 40, C replaced by T.
Protein change: p.Arg14Cys; replaces arginine 14 with cysteine.
Molecular consequence: missense variant.
Genome position (GRCh38, 1-based): chr11:2,445,138, C>T. VCF-style: chr11-2445138-C-T. GRCh37 (hg19) VCF-style: chr11-2466368-C-T.
Other names: c.40C>T (LRG_287t1); short protein forms R14C.
Identifiers: ClinVar variation 67071 (VCV000067071.1), dbSNP rs199473444, ClinGen allele CA007029.

ClinVar aggregate classification (germline): not provided (0 of 4 stars; one submission).

gnomAD v4.1: 7 of 1,123,448 alleles (0.00062%); highest among the groups gnomAD compares: Non-Finnish European, 0.00076%; no homozygotes.

Submission:

Cardiovascular Biomedical Research Unit, Royal Brompton & Harefield NHS Foundation Trust
No classification provided. Review status: no classification provided. Collection method: literature only. Allele origin: germline.
Comment: This variant has been reported in the following publications (PMID:17276182).

Literature cited by the submitters: PubMed 17276182; PubMed 22581653.